The following is an entry in ClinVar:

ClinVar aggregate classification (germline): Likely benign. Review status: criteria provided, multiple submitters, no conflicts (2 of 4 stars). 3 submissions from 3 submitters: Likely benign (2). 1 of the submissions does not count toward it. Last evaluated 2024-10-04.

Conditions:
KCNT2-related disorder. Also called: KCNT2-related condition. Identifiers: MedGen CN236796.

Allele frequency attached by ClinVar (database versions not stated): ExAC 0.00134; 1000 Genomes Project 30x 0.00328; gnomAD 0.00363; 1000 Genomes Project 0.00379; TOPMed 0.00412; ESP Exome Variant Server 0.00500.
gnomAD v4.1: 1,025 of 1,577,838 alleles (0.065%); highest among the groups gnomAD compares: African/African-American, 1.2%; 4 homozygotes.

Submissions (4):

Blueprint Genetics
Classification: Likely benign. Last evaluated: 2024-10-04. Review status: criteria provided, single submitter. Criteria: ACMG Guidelines, 2015. Collection method: clinical testing. Allele origin: germline.

CeGaT Center for Human Genetics Tuebingen
Classification: Likely benign. Last evaluated: 2024-10-01. Review status: criteria provided, single submitter. Criteria: CeGaT Center For Human Genetics Tuebingen Variant Classification Criteria Version 2. Collection method: clinical testing. Allele origin: germline. Affected: yes. Observed: 1 variant allele.
Comment: KCNT2: BS1

PreventionGenetics, part of Exact Sciences
Classification: Benign for KCNT2-related condition. Last evaluated: 2024-06-18. Review status: no assertion criteria provided. Collection method: clinical testing. Allele origin: germline. Not counted in ClinVar's aggregate classification.
Comment: This variant is classified as benign based on ACMG/AMP sequence variant interpretation guidelines (Richards et al. 2015 PMID: 25741868, with internal and published modifications).

Dr. Peter K. Rogan Lab, Western University
No classification provided (evidence only). Condition: Uterine carcinosarcoma. Review status: no classification provided. Collection method: in vitro. Allele origin: not applicable. Functional consequence: retained intron. Not counted in ClinVar's aggregate classification.

NM_198503.5(KCNT2):c.639-6C>A

Gene: KCNT2 (potassium sodium-activated channel subfamily T member 2; minus strand). Cytogenetic location: 1q31.3.
Variant type: single nucleotide variant.
Coding change: c.639-6C>A on transcript NM_198503.5 (MANE Select); 6 bases into the intron before coding-DNA position 639, C replaced by A.
Molecular consequence: intron variant.
Genome position (GRCh38, 1-based): chr1:196,429,763, G>T on the plus strand (C>A on the coding strand, the complement: KCNT2 is on the minus strand). VCF-style: chr1-196429763-G-T. GRCh37 (hg19) VCF-style: chr1-196398893-G-T.
Other names: NC_000001.10:g.196398893G>T; c.639-6C>A (NM_001287820.3, NM_001287819.3).
Identifiers: ClinVar variation 3039023 (VCV003039023.18), dbSNP rs190762125, ClinGen allele CA1304654.